The following is an entry in ClinVar:

NM_000133.4(F9):c.1079T>C (p.Phe360Ser)

Gene: F9 (coagulation factor IX; plus strand). Cytogenetic location: Xq27.1.
Variant type: single nucleotide variant.
Coding change: c.1079T>C on transcript NM_000133.4 (MANE Select); coding-DNA position 1079, T replaced by C.
Protein change: p.Phe360Ser; replaces phenylalanine 360 with serine.
Molecular consequence: missense variant.
Genome position (GRCh38, 1-based): chrX:139,561,764, T>C. VCF-style: chrX-139561764-T-C. GRCh37 (hg19) VCF-style: chrX-138643923-T-C.
Other names: c.965T>C, p.Phe322Ser (NM_001313913.2); short protein forms F360S, F322S.
Identifiers: ClinVar variation 2925698 (VCV002925698.3), dbSNP rs2520845534, ClinGen allele CA414445766.

ClinVar aggregate classification (germline): Likely pathogenic (1 of 4 stars; one submission).

Conditions:
Thrombophilia, X-linked, due to factor 9 defect. Identifiers: MedGen C2749016, MONDO:0010432, OMIM 300807.
Hereditary factor IX deficiency disease (HEMB). Also called: F9 DEFICIENCY; FACTOR IX DEFICIENCY; PLASMA THROMBOPLASTIN COMPONENT DEFICIENCY; Hemophilia B; Christmas Disease. Identifiers: Orphanet 98879, MedGen C0008533, MeSH D002836, MONDO:0010604, OMIM 306900.

Submission:

Labcorp Genetics (formerly Invitae), Labcorp
Classification: Likely pathogenic for Thrombophilia, X-linked, due to factor 9 defect; Hereditary factor IX deficiency disease. Last evaluated: 2023-09-29. Review status: criteria provided, single submitter. Criteria: Invitae Variant Classification Sherloc (09022015). Collection method: clinical testing. Allele origin: germline.
Comment: In summary, the currently available evidence indicates that the variant is pathogenic, but additional data are needed to prove that conclusively. Therefore, this variant has been classified as Likely Pathogenic. This variant disrupts the p.Phe360 amino acid residue in F9. Other variant(s) that disrupt this residue have been observed in individuals with F9-related conditions (PMID: 23689273, 29405493; Invitae), which suggests that this may be a clinically significant amino acid residue. Advanced modeling of protein sequence and biophysical properties (such as structural, functional, and spatial information, amino acid conservation, physicochemical variation, residue mobility, and thermodynamic stability) performed at Invitae indicates that this missense variant is not expected to disrupt F9 protein function. This missense change has been observed in individuals with hemophilia B (PMID: 19699296; Invitae). This variant is not present in population databases (gnomAD no frequency). This sequence change replaces phenylalanine, which is neutral and non-polar, with serine, which is neutral and polar, at codon 360 of the F9 protein (p.Phe360Ser).

Literature cited by the submitters: PubMed 23689273; PubMed 29405493; PubMed 19699296.